The following is an entry in ClinVar:

ClinVar aggregate classification (germline): Uncertain significance (1 of 4 stars; one submission).

Submission:

Ambry Genetics
Classification: Uncertain significance. Last evaluated: 2025-12-17. Review status: criteria provided, single submitter. Criteria: Ambry Variant Classification Scheme 2023. Collection method: clinical testing. Allele origin: germline.
Comment: The p.H163N variant (also known as c.487C>A), located in coding exon 3 of the ATRIP gene, results from a C to A substitution at nucleotide position 487. The histidine at codon 163 is replaced by asparagine, an amino acid with similar properties. This amino acid position is conserved. In addition, this alteration is predicted to be tolerated by in silico analysis. Based on the available evidence, the clinical significance of this variant remains unclear.

NM_130384.3(ATRIP):c.487C>A (p.His163Asn)

Genes: ATRIP (ATR interacting protein; plus strand), ATRIP-TREX1 (ATRIP-TREX1 readthrough; plus strand). Cytogenetic location: 3p21.31.
Variant type: single nucleotide variant.
Coding change: c.487C>A on transcript NM_130384.3 (MANE Select); coding-DNA position 487, C replaced by A.
Protein change: p.His163Asn; replaces histidine 163 with asparagine.
Molecular consequence: missense variant. On other transcripts: non-coding transcript variant (1).
Genome position (GRCh38, 1-based): chr3:48,451,834, C>A. VCF-style: chr3-48451834-C-A. GRCh37 (hg19) VCF-style: chr3-48493240-C-A.
Other names: c.106C>A, p.His36Asn (NM_001271022.2); c.208C>A, p.His70Asn (NM_001271023.2); c.487C>A, p.His163Asn (NM_032166.4); short protein forms H70N, H163N, H36N.
Identifiers: ClinVar variation 4842156 (VCV004842156.1).